The following is an entry in ClinVar:

ClinVar aggregate classification (germline): Uncertain significance (1 of 4 stars; one submission).

Conditions:
Ehlers-Danlos syndrome, dermatosparaxis type. Also called: EDS VIIC; Dermatosparaxis; Ehlers-Danlos syndrome, type VII, autosomal recessive. Identifiers: Orphanet 1901, MedGen C2700425, MONDO:0009161, OMIM 225410.

Submission:

Labcorp Genetics (formerly Invitae), Labcorp
Classification: Uncertain significance for Ehlers-Danlos syndrome, dermatosparaxis type. Last evaluated: 2022-02-07. Review status: criteria provided, single submitter. Criteria: Invitae Variant Classification Sherloc (09022015). Collection method: clinical testing. Allele origin: germline.
Comment: This variant, c.64_65insCGC, results in the insertion of 1 amino acid(s) of the ADAMTS2 protein (p.Leu21_Leu22insPro), but otherwise preserves the integrity of the reading frame. This variant is not present in population databases (gnomAD no frequency). This variant has not been reported in the literature in individuals affected with ADAMTS2-related conditions. Experimental studies and prediction algorithms are not available or were not evaluated, and the functional significance of this variant is currently unknown. In summary, the available evidence is currently insufficient to determine the role of this variant in disease. Therefore, it has been classified as a Variant of Uncertain Significance.

NM_014244.5(ADAMTS2):c.64_65insCGC (p.Leu21_Leu22insPro)

Gene: ADAMTS2 (ADAM metallopeptidase with thrombospondin type 1 motif 2; minus strand). Cytogenetic location: 5q35.3.
Variant type: Insertion.
Coding change: c.64_65insCGC on transcript NM_014244.5 (MANE Select); coding-DNA positions 64 to 65, CGC inserted.
Protein change: p.Leu21_Leu22insPro.
Molecular consequence: inframe insertion.
Genome position: GRCh38 VCF-style: chr5-179345264-A-AGCG. GRCh37 (hg19) VCF-style: chr5-178772265-A-AGCG.
Other names: c.64_65insCGC, p.Leu21_Leu22insPro (NM_021599.4).
Identifiers: ClinVar variation 2145895 (VCV002145895.1), dbSNP rs909464680, ClinGen allele CA133086988.
Genomic context (GRCh38, chr5:179,345,264, plus strand): 5'-GCGGCGGCGAGCCTGGCGTTCGCGGGCGGCGGCGGCGGCGGCAGGAGCGGCGGCGGCAGC[A>AGCG]GCAGCAGCAGCAGCAGCAGCGCGGGGCAGAGCAGGCGGCGAGCGGCTCCCGCCGGCGGAT-3'